The following is an entry in ClinVar:

ClinVar aggregate classification (germline): Uncertain significance. Review status: criteria provided, multiple submitters, no conflicts (2 of 4 stars). 2 submissions from 2 submitters: Uncertain significance (2). Last evaluated 2025-07-14.

Conditions:
Hereditary cancer-predisposing syndrome. Also called: Neoplastic Syndromes, Hereditary; Tumor predisposition; Hereditary Cancer Syndrome; Hereditary neoplastic syndrome. Identifiers: Orphanet 140162, MedGen C0027672, MeSH D009386, MONDO:0015356.
Renal cell carcinoma. Identifiers: Orphanet 217071, MedGen C0007134, MeSH D002292, MONDO:0005086, HP:0005584.

gnomAD v4.1: 1 of 1,613,224 alleles (0.000062%); highest among the groups gnomAD compares: Non-Finnish European, 0.000085%; no homozygotes.

Submissions (2):

Ambry Genetics
Classification: Uncertain significance for Hereditary cancer-predisposing syndrome. Last evaluated: 2025-07-14. Review status: criteria provided, single submitter. Criteria: Ambry Variant Classification Scheme 2023. Collection method: clinical testing. Allele origin: germline.
Comment: The p.S773G variant (also known as c.2317A>G), located in coding exon 9 of the MET gene, results from an A to G substitution at nucleotide position 2317. The serine at codon 773 is replaced by glycine, an amino acid with similar properties. This amino acid position is highly conserved in available vertebrate species. In addition, the in silico prediction for this alteration is inconclusive. Based on the available evidence, the clinical significance of this variant remains unclear.

Labcorp Genetics (formerly Invitae), Labcorp
Classification: Uncertain significance for Renal cell carcinoma. Last evaluated: 2024-12-18. Review status: criteria provided, single submitter. Criteria: Invitae Variant Classification Sherloc (09022015). Collection method: clinical testing. Allele origin: germline.
Comment: This sequence change replaces serine, which is neutral and polar, with glycine, which is neutral and non-polar, at codon 773 of the MET protein (p.Ser773Gly). This variant is not present in population databases (gnomAD no frequency). This variant has not been reported in the literature in individuals affected with MET-related conditions. ClinVar contains an entry for this variant (Variation ID: 653209). An algorithm developed to predict the effect of missense changes on protein structure and function (PolyPhen-2) suggests that this variant is likely to be disruptive. In summary, the available evidence is currently insufficient to determine the role of this variant in disease. Therefore, it has been classified as a Variant of Uncertain Significance.

NM_000245.4(MET):c.2265-2A>G

Gene: MET (MET proto-oncogene, receptor tyrosine kinase; plus strand). Cytogenetic location: 7q31.2.
Variant type: single nucleotide variant.
Coding change: c.2265-2A>G on transcript NM_000245.4 (MANE Select); the canonical splice acceptor site of the intron before coding-DNA position 2265, A replaced by G.
Molecular consequence: splice acceptor variant. On other transcripts: missense variant (1).
Genome position (GRCh38, 1-based): chr7:116,759,389, A>G. VCF-style: chr7-116759389-A-G. GRCh37 (hg19) VCF-style: chr7-116399443-A-G.
Other names: c.2317A>G, p.Ser773Gly (NM_001127500.3); c.975-2A>G (NM_001324402.2); c.2265-2A>G (NM_001324401.3); short protein forms S773G.
Identifiers: ClinVar variation 653209 (VCV000653209.12), dbSNP rs1397775000, ClinGen allele CA368981891.